The following is an entry in ClinVar:

ClinVar aggregate classification (germline): Likely benign (1 of 4 stars; one submission).

gnomAD v4.1: 1 of 1,614,010 alleles (0.000062%); highest among the groups gnomAD compares: Non-Finnish European, 0.000085%; no homozygotes.

Submission:

CeGaT Center for Human Genetics Tuebingen
Classification: Likely benign. Last evaluated: 2024-07-01. Review status: criteria provided, single submitter. Criteria: CeGaT Center For Human Genetics Tuebingen Variant Classification Criteria Version 2. Collection method: clinical testing. Allele origin: germline. Affected: yes. Observed: 1 variant allele.
Comment: CEP57: BP4, BP7

NM_014679.5(CEP57):c.939A>G (p.Leu313=)

Gene: CEP57 (centrosomal protein 57; plus strand). Cytogenetic location: 11q21.
Variant type: single nucleotide variant.
Coding change: c.939A>G on transcript NM_014679.5 (MANE Select); coding-DNA position 939, A replaced by G.
Protein change: p.Leu313=; no amino-acid change (leucine 313 retained).
Molecular consequence: synonymous variant.
Genome position (GRCh38, 1-based): chr11:95,827,839, A>G. VCF-style: chr11-95827839-A-G. GRCh37 (hg19) VCF-style: chr11-95561003-A-G.
Other names: c.861A>G, p.Leu287= (NM_001243777.2); c.858A>G, p.Leu286= (NM_001363604.2); c.912A>G, p.Leu304= (NM_001243776.2).
Identifiers: ClinVar variation 3341840 (VCV003341840.16).